The following is an entry in ClinVar:

ClinVar aggregate classification (germline): Conflicting classifications of pathogenicity. Review status: criteria provided, conflicting classifications (1 of 4 stars). 8 submissions from 8 submitters: Uncertain significance (5); Likely benign (3). Last evaluated 2025-05-27.

Conditions:
Autosomal recessive limb-girdle muscular dystrophy type 2J (LGMDR10). Also called: Limb-girdle muscular dystrophy, type 2J; MUSCULAR DYSTROPHY, LIMB-GIRDLE, AUTOSOMAL RECESSIVE 10. Identifiers: Orphanet 140922, MedGen C1837342, MONDO:0012127, OMIM 608807.
Dilated cardiomyopathy 1G (CMD1G). Identifiers: Orphanet 154, MedGen C1858763, MONDO:0011400, OMIM 604145.
Cardiovascular phenotype. Identifiers: MedGen CN230736.
TTN-related disorder. Also called: TTN-related condition; TTN-related disease; TTN-related disorders.

Allele frequency attached by ClinVar (database versions not stated): ESP Exome Variant Server 0.00025; gnomAD exomes 0.00004 and 0.00001; gnomAD 0.00017 and 0.00020; TOPMed 0.00018; ExAC 0.00003.
gnomAD v4.1: 41 of 1,613,434 alleles (0.0025%); highest among the groups gnomAD compares: African/African-American, 0.049%; no homozygotes.

Submissions (8):

PreventionGenetics, part of Exact Sciences
Classification: Uncertain significance for TTN-related condition. Last evaluated: 2025-05-27. Review status: criteria provided, single submitter. Criteria: ACMG Guidelines, 2015. Collection method: clinical testing. Allele origin: germline.
Comment: The TTN c.84203G>C variant is predicted to result in the amino acid substitution p.Ser28068Thr. This variant was reported as a variant of uncertain significance in a cohort study of left ventricular non-compaction (Table S2, Richard et al. 2019. PubMed ID: 30471092). This variant is reported in 0.058% of alleles in individuals of African descent in gnomAD. Although we suspect that this variant may be benign, at this time, the clinical significance of this variant is uncertain due to the absence of conclusive functional and genetic evidence.

Molecular Diagnostic Laboratory for Inherited Cardiovascular Disease, Montreal Heart Institute
Classification: Likely benign. Last evaluated: 2025-04-09. Review status: criteria provided, single submitter. Criteria: ACMG Guidelines, 2015. Collection method: clinical testing. Allele origin: germline. Affected: no.
Comment: BP1

Revvity Omics, Revvity
Classification: Uncertain significance. Last evaluated: 2021-06-21. Review status: criteria provided, single submitter. Criteria: ACMG Guidelines, 2015. Collection method: clinical testing. Allele origin: germline.

GeneDx
Classification: Likely benign. Last evaluated: 2021-02-25. Review status: criteria provided, single submitter. Criteria: GeneDx Variant Classification Process June 2021. Collection method: clinical testing. Allele origin: germline. Affected: yes.

Ambry Genetics
Classification: Likely benign for Cardiovascular phenotype. Last evaluated: 2020-03-25. Review status: criteria provided, single submitter. Criteria: Ambry Variant Classification Scheme 2023. Collection method: clinical testing. Allele origin: germline.

Athena Diagnostics
Classification: Uncertain significance. Last evaluated: 2018-08-09. Review status: criteria provided, single submitter. Criteria: Athena Diagnostics Criteria. Collection method: clinical testing. Allele origin: germline.

Labcorp Genetics (formerly Invitae), Labcorp
Classification: Uncertain significance for Dilated cardiomyopathy 1G; Autosomal recessive limb-girdle muscular dystrophy type 2J. Last evaluated: 2017-11-30. Review status: criteria provided, single submitter. Criteria: Invitae Variant Classification Sherloc (09022015). Collection method: clinical testing. Allele origin: germline.

Eurofins Ntd Llc (ga)
Classification: Uncertain significance. Last evaluated: 2017-03-07. Review status: criteria provided, single submitter. Criteria: EGL Classification Definitions 2015. Collection method: clinical testing. Allele origin: germline. Observed: 2 variant alleles, 2 heterozygotes.

NM_001267550.2(TTN):c.84203G>C (p.Ser28068Thr)

Genes: TTN-AS1 (TTN antisense RNA 1; plus strand), TTN (titin; minus strand). Cytogenetic location: 2q31.2.
Variant type: single nucleotide variant.
Coding change: c.84203G>C on transcript NM_001267550.2 (MANE Select); coding-DNA position 84203, G replaced by C.
Protein change: p.Ser28068Thr; replaces serine 28068 with threonine.
Molecular consequence: missense variant.
Genome position (GRCh38, 1-based): chr2:178,561,929, C>G on the plus strand (G>C on the coding strand, the complement: TTN is on the minus strand). VCF-style: chr2-178561929-C-G. GRCh37 (hg19) VCF-style: chr2-179426656-C-G.
Other names: c.84203G>C (LRG_391t1); c.79280G>C, p.Ser26427Thr (NM_001256850.1); c.57008G>C, p.Ser19003Thr (NM_003319.4); c.76499G>C, p.Ser25500Thr (NM_133378.4); c.57383G>C, p.Ser19128Thr (NM_133432.3); c.57584G>C, p.Ser19195Thr (NM_133437.4); short protein forms S28068T, S25500T, S19128T, S19195T, S19003T, S26427T.
Identifiers: ClinVar variation 448821 (VCV000448821.18), dbSNP rs72648219, ClinGen allele CA1988809.